The following is an entry in ClinVar:

NM_000701.8(ATP1A1):c.2069T>G (p.Phe690Cys)

Genes: ATP1A1 (ATPase Na+/K+ transporting subunit alpha 1; plus strand), ATP1A1-AS1 (ATP1A1 antisense RNA 1; minus strand). Cytogenetic location: 1p13.1.
Variant type: single nucleotide variant.
Coding change: c.2069T>G on transcript NM_000701.8 (MANE Select); coding-DNA position 2069, T replaced by G.
Protein change: p.Phe690Cys; replaces phenylalanine 690 with cysteine.
Molecular consequence: missense variant.
Genome position (GRCh38, 1-based): chr1:116,397,983, T>G. VCF-style: chr1-116397983-T-G. GRCh37 (hg19) VCF-style: chr1-116940605-T-G.
Other names: c.2069T>G, p.Phe690Cys (NM_001160233.2); c.1976T>G, p.Phe659Cys (NM_001160234.2); short protein forms F690C, F659C.
Identifiers: ClinVar variation 3657621 (VCV003657621.2).

ClinVar aggregate classification (germline): Uncertain significance (1 of 4 stars; one submission).

Submission:

Labcorp Genetics (formerly Invitae), Labcorp
Classification: Uncertain significance. Last evaluated: 2024-06-24. Review status: criteria provided, single submitter. Criteria: Invitae Variant Classification Sherloc (09022015). Collection method: clinical testing. Allele origin: germline.
Comment: This sequence change replaces phenylalanine, which is neutral and non-polar, with cysteine, which is neutral and slightly polar, at codon 690 of the ATP1A1 protein (p.Phe690Cys). This variant is not present in population databases (gnomAD no frequency). This variant has not been reported in the literature in individuals affected with ATP1A1-related conditions. Advanced modeling of protein sequence and biophysical properties (such as structural, functional, and spatial information, amino acid conservation, physicochemical variation, residue mobility, and thermodynamic stability) performed at Invitae indicates that this missense variant is expected to disrupt ATP1A1 protein function with a positive predictive value of 80%. In summary, the available evidence is currently insufficient to determine the role of this variant in disease. Therefore, it has been classified as a Variant of Uncertain Significance.